The following is an entry in ClinVar:

ClinVar aggregate classification (germline): Uncertain significance (1 of 4 stars; one submission).

Conditions:
Charcot-Marie-Tooth disease axonal type 2Z. Also called: CHARCOT-MARIE-TOOTH DISEASE, AXONAL, AUTOSOMAL DOMINANT, TYPE 2Z; CHARCOT-MARIE-TOOTH NEUROPATHY, TYPE 2Z. Identifiers: Orphanet 466768, MedGen C5569025, MONDO:0014736, OMIM 616688.

Allele frequency attached by ClinVar (database versions not stated): gnomAD exomes 0.00001; TOPMed 0.00001.
gnomAD v4.1: 3 of 1,614,036 alleles (0.00019%); highest among the groups gnomAD compares: Admixed American, 0.005%; no homozygotes.

Submission:

Labcorp Genetics (formerly Invitae), Labcorp
Classification: Uncertain significance for Charcot-Marie-Tooth disease axonal type 2Z. Last evaluated: 2022-10-13. Review status: criteria provided, single submitter. Criteria: Invitae Variant Classification Sherloc (09022015). Collection method: clinical testing. Allele origin: germline.
Comment: In summary, the available evidence is currently insufficient to determine the role of this variant in disease. Therefore, it has been classified as a Variant of Uncertain Significance. Advanced modeling of protein sequence and biophysical properties (such as structural, functional, and spatial information, amino acid conservation, physicochemical variation, residue mobility, and thermodynamic stability) performed at Invitae indicates that this missense variant is not expected to disrupt MORC2 protein function. This variant has not been reported in the literature in individuals affected with MORC2-related conditions. This variant is present in population databases (no rsID available, gnomAD 0.009%). This sequence change replaces phenylalanine, which is neutral and non-polar, with leucine, which is neutral and non-polar, at codon 764 of the MORC2 protein (p.Phe764Leu).

NM_001303256.3(MORC2):c.2290T>C (p.Phe764Leu)

Gene: MORC2 (MORC family CW-type zinc finger 2; minus strand). Cytogenetic location: 22q12.2.
Variant type: single nucleotide variant.
Coding change: c.2290T>C on transcript NM_001303256.3 (MANE Select); coding-DNA position 2290, T replaced by C.
Protein change: p.Phe764Leu; replaces phenylalanine 764 with leucine.
Molecular consequence: missense variant.
Genome position (GRCh38, 1-based): chr22:30,934,095, A>G on the plus strand (T>C on the coding strand, the complement: MORC2 is on the minus strand). VCF-style: chr22-30934095-A-G. GRCh37 (hg19) VCF-style: chr22-31330082-A-G.
Other names: c.2290T>C, p.Phe764Leu (NM_001303257.2); c.2104T>C, p.Phe702Leu (NM_014941.3); short protein forms F764L, F702L.
Identifiers: ClinVar variation 1942805 (VCV001942805.5), dbSNP rs1393469763, ClinGen allele CA411234116.